The following is an entry in ClinVar:

ClinVar aggregate classification (germline): Uncertain significance (1 of 4 stars; one submission).

Conditions:
Neurodevelopmental disorder with or without anomalies of the brain, eye, or heart (NEDBEH). Identifiers: Orphanet 494344, MedGen C5567477, MONDO:0014857, OMIM 616975.

Submission:

Juno Genomics, Hangzhou Juno Genomics, Inc
Classification: Uncertain significance for Neurodevelopmental disorder with or without anomalies of the brain, eye, or heart. Review status: criteria provided, single submitter. Criteria: ACMG Guidelines, 2015. Collection method: clinical testing. Allele origin: germline.
Comment: Absent from controls (or at extremely low frequency if recessive) in Genome Aggregation Database.;Protein length changes due to in-frame deletions/insertions in a non-repeat region or stop-loss variants.

NM_001042681.2(RERE):c.3559_3561del (p.Glu1187del)

Gene: RERE (arginine-glutamic acid dipeptide repeats; minus strand). Cytogenetic location: 1p36.23.
Variant type: Deletion.
Coding change: c.3559_3561del on transcript NM_001042681.2 (MANE Select); coding-DNA positions 3559 to 3561, 3 bases deleted (GAG; older notation c.3559_3561delGAG).
Protein change: p.Glu1187del; deletes glutamic acid 1187.
Molecular consequence: inframe deletion.
Genome position (GRCh38, 1-based): chr1:8,359,821-8,359,823, CTC deleted on the plus strand (GAG on the coding strand, the reverse complement: RERE is on the minus strand); deleting any 3 consecutive bases within chr1:8,359,821-8,359,825 gives the same sequence; the c. name uses the placement nearest the transcript's 3' end. VCF-style (leftmost placement, unchanged base first): chr1-8359820-TCTC-T. GRCh37 (hg19) VCF-style: chr1-8419880-TCTC-T.
Other names: c.1897_1899del, p.Glu633del (NM_001042682.2); c.3559_3561del, p.Glu1187del (NM_012102.4); short protein forms E1187del, E633del.
Identifiers: ClinVar variation 5007154 (VCV005007154.2).
Genomic context (GRCh38, chr1:8,359,820, plus strand): 5'-TCACAGCCGCCCGCTCTGCCTCGCGCTCCCGCTCTCGCTCCCGCTCCCGCTCCTTCTCCT[TCTC>T]CTTCTCCCGCTCTCGCTCCTCTCGGGCTTTCTGCTCAGCCTCGCGCTTGGCCTTCTCAAT-3'